The following is an entry in ClinVar:

NM_005633.4(SOS1):c.1940+18A>T

Gene: SOS1 (SOS Ras/Rac guanine nucleotide exchange factor 1; minus strand). Cytogenetic location: 2p22.1.
Variant type: single nucleotide variant.
Coding change: c.1940+18A>T on transcript NM_005633.4 (MANE Select); 18 bases into the intron after coding-DNA position 1940, A replaced by T.
Molecular consequence: intron variant.
Genome position (GRCh38, 1-based): chr2:39,014,747, T>A on the plus strand (A>T on the coding strand, the complement: SOS1 is on the minus strand). VCF-style: chr2-39014747-T-A. GRCh37 (hg19) VCF-style: chr2-39241888-T-A.
Other names: c.1919+18A>T (NM_001382394.1); c.1940+18A>T (NM_001382395.1).
Identifiers: ClinVar variation 932201 (VCV000932201.1), dbSNP rs1669577494, ClinGen allele CA1139656887.

ClinVar aggregate classification (germline): Uncertain significance (1 of 4 stars; one submission).

Submission:

Women's Health and Genetics/Laboratory Corporation of America, LabCorp
Classification: Uncertain significance. Last evaluated: 2020-05-18. Review status: criteria provided, single submitter. Criteria: LabCorp Variant Classification Summary - May 2015. Collection method: clinical testing. Allele origin: germline.
Comment: Variant summary: SOS1 c.1940+18A>T alters a non-conserved nucleotide located close to a canonical splice site and therefore could affect mRNA splicing, leading to a significantly altered protein sequence. 4/4 computational tools predict no significant impact on normal splicing. However, these predictions have yet to be confirmed by functional studies. The variant was absent in 238992 control chromosomes (gnomAD). The available data on variant occurrences in the general population are insufficient to allow any conclusion about variant significance. To our knowledge, no occurrence of c.1940+18A>T in individuals affected with Noonan Syndrome and Related Conditions and no experimental evidence demonstrating its impact on protein function have been reported. No clinical diagnostic laboratories have submitted clinical-significance assessments for this variant to ClinVar after 2014. Based on the evidence outlined above, the variant was classified as uncertain significance.